The following is an entry in ClinVar:

ClinVar aggregate classification (germline): Uncertain significance (1 of 4 stars; one submission).

gnomAD v4.1: 1 of 1,560,294 alleles (0.000064%); highest among the groups gnomAD compares: Non-Finnish European, 0.000087%; no homozygotes.

Submission:

CeGaT Center for Human Genetics Tuebingen
Classification: Uncertain significance. Last evaluated: 2024-12-01. Review status: criteria provided, single submitter. Criteria: CeGaT Center For Human Genetics Tuebingen Variant Classification Criteria Version 2. Collection method: clinical testing. Allele origin: germline. Affected: yes. Observed: 1 variant allele.
Comment: GRIN1: PM2, PP2, BP4

NM_007327.4(GRIN1):c.2756G>C (p.Arg919Pro)

Gene: GRIN1 (glutamate ionotropic receptor NMDA type subunit 1; plus strand). Cytogenetic location: 9q34.3.
Variant type: single nucleotide variant.
Coding change: c.2756G>C on transcript NM_007327.4 (MANE Select); coding-DNA position 2756, G replaced by C.
Protein change: p.Arg919Pro; replaces arginine 919 with proline.
Molecular consequence: missense variant. On other transcripts: intron variant (3).
Genome position (GRCh38, 1-based): chr9:137,167,466, G>C. VCF-style: chr9-137167466-G-C. GRCh37 (hg19) VCF-style: chr9-140061918-G-C.
Other names: c.2645G>C, p.Arg882Pro (NM_021569.4); c.2764-308G>C (NM_001185090.2); c.2653-308G>C (NM_001185091.2); c.2590-308G>C (NM_000832.7); short protein forms R882P, R919P.
Identifiers: ClinVar variation 3772077 (VCV003772077.13).
Genomic context (GRCh38, chr9:137,167,466, plus strand): 5'-TATAGAGCACCGGGGGTGGACGCGGCGCTTTGCAAAACCAAAAAGACACAGTGCTGCCGC[G>C]ACGCGCTATTGAGAGGGAGGAGGGCCAGCTGCAGCTGTGTTCCCGTCATAGGGAGAGCTG-3'
Protein context (NP_015566.1, residues 909-929): LQNQKDTVLP[Arg919Pro]RAIEREEGQL